The following is an entry in ClinVar:

ClinVar aggregate classification (germline): Likely benign (0 of 4 stars; one submission).

Conditions:
LEPR-related disorder. Also called: LEPR-related condition; LEPR-related disorders.

gnomAD v4.1: 2 of 1,614,020 alleles (0.00012%); highest among the groups gnomAD compares: African/African-American, 0.0013%; no homozygotes.

Submission:

PreventionGenetics, part of Exact Sciences
Classification: Likely benign for LEPR-related condition. Last evaluated: 2021-08-19. Review status: no assertion criteria provided. Collection method: clinical testing. Allele origin: germline.
Comment: This variant is classified as likely benign based on ACMG/AMP sequence variant interpretation guidelines (Richards et al. 2015 PMID: 25741868, with internal and published modifications).

NM_002303.6(LEPR):c.3081C>T (p.Ser1027=)

Gene: LEPR (leptin receptor; plus strand). Cytogenetic location: 1p31.3.
Variant type: single nucleotide variant.
Coding change: c.3081C>T on transcript NM_002303.6 (MANE Select); coding-DNA position 3081, C replaced by T.
Protein change: p.Ser1027=; no amino-acid change (serine 1027 retained).
Molecular consequence: synonymous variant.
Genome position (GRCh38, 1-based): chr1:65,636,598, C>T. VCF-style: chr1-65636598-C-T. GRCh37 (hg19) VCF-style: chr1-66102281-C-T.
Identifiers: ClinVar variation 3350454 (VCV003350454.1).